The following is an entry in ClinVar:

ClinVar aggregate classification (germline): Uncertain significance. Review status: criteria provided, multiple submitters, no conflicts (2 of 4 stars). 2 submissions from 2 submitters: Uncertain significance (2). Last evaluated 2026-03-08.

Conditions:
Hereditary cancer-predisposing syndrome. Also called: Neoplastic Syndromes, Hereditary; Tumor predisposition; Hereditary Cancer Syndrome; Hereditary neoplastic syndrome. Identifiers: Orphanet 140162, MedGen C0027672, MeSH D009386, MONDO:0015356.

Submissions (2):

Ambry Genetics
Classification: Uncertain significance for Hereditary cancer-predisposing syndrome. Last evaluated: 2026-03-08. Review status: criteria provided, single submitter. Criteria: Ambry Variant Classification Scheme 2023. Collection method: clinical testing. Allele origin: germline.
Comment: The p.D1663N variant (also known as c.4987G>A), located in coding exon 38 of the POLE gene, results from a G to A substitution at nucleotide position 4987. The aspartic acid at codon 1663 is replaced by asparagine, an amino acid with highly similar properties. This amino acid position is conserved. In addition, this alteration is predicted to be tolerated by in silico analysis. Based on the available evidence, the clinical significance of this variant remains unclear.

Labcorp Genetics (formerly Invitae), Labcorp
Classification: Uncertain significance. Last evaluated: 2022-07-08. Review status: criteria provided, single submitter. Criteria: Invitae Variant Classification Sherloc (09022015). Collection method: clinical testing. Allele origin: germline.
Comment: Algorithms developed to predict the effect of missense changes on protein structure and function are either unavailable or do not agree on the potential impact of this missense change (SIFT: "Deleterious"; PolyPhen-2: "Possibly Damaging"; Align-GVGD: "Class C15"). This sequence change replaces aspartic acid, which is acidic and polar, with asparagine, which is neutral and polar, at codon 1663 of the POLE protein (p.Asp1663Asn). This variant is not present in population databases (gnomAD no frequency). This variant has not been reported in the literature in individuals affected with POLE-related conditions. In summary, the available evidence is currently insufficient to determine the role of this variant in disease. Therefore, it has been classified as a Variant of Uncertain Significance.

NM_006231.4(POLE):c.4987G>A (p.Asp1663Asn)

Gene: POLE (DNA polymerase epsilon, catalytic subunit; minus strand). Cytogenetic location: 12q24.33.
Variant type: single nucleotide variant.
Coding change: c.4987G>A on transcript NM_006231.4 (MANE Select); coding-DNA position 4987, G replaced by A.
Protein change: p.Asp1663Asn; replaces aspartic acid 1663 with asparagine.
Molecular consequence: missense variant.
Genome position (GRCh38, 1-based): chr12:132,642,363, C>T on the plus strand (G>A on the coding strand, the complement: POLE is on the minus strand). VCF-style: chr12-132642363-C-T. GRCh37 (hg19) VCF-style: chr12-133218949-C-T.
Other names: c.4987G>A (NM_006231.2); short protein forms D1663N.
Identifiers: ClinVar variation 2015137 (VCV002015137.5), dbSNP rs753910068, ClinGen allele CA387377533.